The following is an entry in ClinVar:

ClinVar aggregate classification (germline): Uncertain significance. Review status: criteria provided, multiple submitters, no conflicts (2 of 4 stars). 2 submissions from 2 submitters: Uncertain significance (2). Last evaluated 2022-02-11.

Conditions:
Autosomal recessive ataxia, Beauce type. Also called: SYNE1-Related Autosomal Recessive Cerebellar Ataxia; ATAXIA, RECESSIVE, OF BEAUCE; SYNE1 Deficiency; Spinocerebellar ataxia, autosomal recessive 8. Identifiers: Orphanet 88644, MedGen C1853116, MONDO:0012549, OMIM 610743.
Emery-Dreifuss muscular dystrophy 4, autosomal dominant (EDMD4). Also called: EMERY-DREIFUSS MUSCULAR DYSTROPHY 4 WITH VARIABLE FEATURES. Identifiers: Orphanet 261, MedGen C2751807, MONDO:0013071, OMIM 612998.

Allele frequency attached by ClinVar (database versions not stated): gnomAD 0.00001; gnomAD exomes 0.00001 and 0.00002; ExAC 0.00002; TOPMed 0.00003.
gnomAD v4.1: 19 of 1,614,078 alleles (0.0012%); highest among the groups gnomAD compares: East Asian, 0.0022%; no homozygotes.

Submissions (2):

Labcorp Genetics (formerly Invitae), Labcorp
Classification: Uncertain significance for Emery-Dreifuss muscular dystrophy 4, autosomal dominant; Autosomal recessive ataxia, Beauce type. Last evaluated: 2022-02-11. Review status: criteria provided, single submitter. Criteria: Invitae Variant Classification Sherloc (09022015). Collection method: clinical testing. Allele origin: germline.
Comment: This sequence change replaces arginine, which is basic and polar, with cysteine, which is neutral and slightly polar, at codon 6812 of the SYNE1 protein (p.Arg6812Cys). This variant is present in population databases (rs746823107, gnomAD 0.01%). This variant has not been reported in the literature in individuals affected with SYNE1-related conditions. ClinVar contains an entry for this variant (Variation ID: 810011). Algorithms developed to predict the effect of missense changes on protein structure and function (SIFT, PolyPhen-2, Align-GVGD) all suggest that this variant is likely to be tolerated. In summary, the available evidence is currently insufficient to determine the role of this variant in disease. Therefore, it has been classified as a Variant of Uncertain Significance.

CeGaT Center for Human Genetics Tuebingen
Classification: Uncertain significance. Last evaluated: 2018-09-01. Review status: criteria provided, single submitter. Criteria: CeGaT Center For Human Genetics Tuebingen Variant Classification Criteria Version 2. Collection method: clinical testing. Allele origin: germline. Affected: yes. Observed: 1 variant allele.

NM_182961.4(SYNE1):c.20647C>T (p.Arg6883Cys)

Gene: SYNE1 (spectrin repeat containing nuclear envelope protein 1; minus strand). Cytogenetic location: 6q25.2.
Variant type: single nucleotide variant.
Coding change: c.20647C>T on transcript NM_182961.4 (MANE Select); coding-DNA position 20647, C replaced by T.
Protein change: p.Arg6883Cys; replaces arginine 6883 with cysteine.
Molecular consequence: missense variant.
Genome position (GRCh38, 1-based): chr6:152,233,846, G>A on the plus strand (C>T on the coding strand, the complement: SYNE1 is on the minus strand). VCF-style: chr6-152233846-G-A. GRCh37 (hg19) VCF-style: chr6-152554981-G-A.
Other names: c.20434C>T, p.Arg6812Cys (NM_033071.5); short protein forms R6812C, R6883C.
Identifiers: ClinVar variation 810011 (VCV000810011.43), dbSNP rs746823107, ClinGen allele CA4054371.